The following is an entry in ClinVar:

NC_000005.10:g.112707411C>A

Gene: APC (APC regulator of Wnt signaling pathway; plus strand). Cytogenetic location: 5q22.2.
Variant type: single nucleotide variant.
Genome position: GRCh38 VCF-style: chr5-112707411-C-A. GRCh37 (hg19) VCF-style: chr5-112043108-C-A.
Identifiers: ClinVar variation 2732613 (VCV002732613.3), dbSNP rs1268337460, ClinGen allele CA2674863429.
Genomic context (GRCh38, chr5:112,707,411, plus strand): 5'-TGAGACTCGGCTGCCTAGGCAGCAATGGCTCACGGGACAGAACAGCGAAGCAGTGCCCGG[C>A]AAGCGGAGCGCAGCACCCATTGCGCCTGCGCATAACAGGCTCTAGTCTCCGGGCTGTGGG-3'

ClinVar aggregate classification (germline): Uncertain significance (1 of 4 stars; one submission).

Conditions:
Familial adenomatous polyposis 1 (FAP1). Also called: FAMILIAL ADENOMATOUS POLYPOSIS 1, ATTENUATED; POLYPOSIS, ADENOMATOUS INTESTINAL. Identifiers: MedGen C2713442, MONDO:0021056, OMIM 175100. Disease mechanism: loss of function.

Submission:

Labcorp Genetics (formerly Invitae), Labcorp
Classification: Uncertain significance for Familial adenomatous polyposis 1. Last evaluated: 2025-05-06. Review status: criteria provided, single submitter. Criteria: Invitae Variant Classification Sherloc (09022015). Collection method: clinical testing. Allele origin: germline.
Comment: This variant occurs in a non-coding region of the APC gene. It does not change the encoded amino acid sequence of the APC protein. This variant is not present in population databases (gnomAD no frequency). This variant has not been reported in the literature in individuals affected with APC-related conditions. Experimental studies and prediction algorithms are not available or were not evaluated, and the functional significance of this variant is currently unknown. In summary, the available evidence is currently insufficient to determine the role of this variant in disease. Therefore, it has been classified as a Variant of Uncertain Significance.